The following is an entry in ClinVar:

NM_000642.3(AGL):c.3441del (p.Arg1147fs)

Gene: AGL (amylo-alpha-1,6-glucosidase and 4-alpha-glucanotransferase; plus strand). Cytogenetic location: 1p21.2.
Variant type: Deletion.
Coding change: c.3441del on transcript NM_000642.3 (MANE Select); coding-DNA position 3441, one base deleted (A; older notation c.3441delA).
Protein change: p.Arg1147fs; shifts the reading frame from arginine 1147.
Molecular consequence: frameshift variant.
Genome position (GRCh38, 1-based): chr1:99,900,714, A deleted. VCF-style (leftmost placement, unchanged base first): chr1-99900713-GA-G. GRCh37 (hg19) VCF-style: chr1-100366269-GA-G.
Other names: c.3441delA, p.Arg1147Serfs (NM_000028.3, NM_000643.3, NM_000644.3 and 1 more transcripts); c.3393delA, p.Arg1131Serfs (NM_000646.3); c.3420delA, p.Arg1140Serfs (NM_001425326.1); c.3240delA, p.Arg1080Serfs (NM_001425327.1); c.3237delA, p.Arg1079Serfs (NM_001425328.1); c.3102delA, p.Arg1034Serfs (NM_001425329.1); c.3063delA, p.Arg1021Serfs (NM_001425332.1); short protein forms R1147fs, R1131fs.
Identifiers: ClinVar variation 940161 (VCV000940161.8), dbSNP rs1653759340, ClinGen allele CA1139656256.

ClinVar aggregate classification (germline): Pathogenic (1 of 4 stars; one submission).

Conditions:
Glycogen storage disease type III (GSD3). Also called: Cori disease; FORBES DISEASE. Identifiers: Orphanet 366, MedGen C0017922, MONDO:0009291, OMIM 232400.

Submission:

Labcorp Genetics (formerly Invitae), Labcorp
Classification: Pathogenic for Glycogen storage disease type III. Last evaluated: 2019-10-02. Review status: criteria provided, single submitter. Criteria: Invitae Variant Classification Sherloc (09022015). Collection method: clinical testing. Allele origin: germline.
Comment: This variant is not present in population databases (ExAC no frequency). This sequence change creates a premature translational stop signal (p.Arg1147Serfs*26) in the AGL gene. It is expected to result in an absent or disrupted protein product. Loss-of-function variants in AGL are known to be pathogenic (PMID: 19299494). For these reasons, this variant has been classified as Pathogenic. This variant has not been reported in the literature in individuals with AGL-related conditions.

Literature cited by the submitters: PubMed 19299494.